The following is an entry in ClinVar:

NM_000760.4(CSF3R):c.2333C>T (p.Ala778Val)

Gene: CSF3R (colony stimulating factor 3 receptor; minus strand). Cytogenetic location: 1p34.3.
Variant type: single nucleotide variant.
Coding change: c.2333C>T on transcript NM_000760.4 (MANE Select); coding-DNA position 2333, C replaced by T.
Protein change: p.Ala778Val; replaces alanine 778 with valine.
Molecular consequence: missense variant. On other transcripts: intron variant (1).
Genome position (GRCh38, 1-based): chr1:36,466,535, G>A on the plus strand (C>T on the coding strand, the complement: CSF3R is on the minus strand). VCF-style: chr1-36466535-G-A. GRCh37 (hg19) VCF-style: chr1-36932136-G-A.
Other names: c.2414C>T, p.Ala805Val (NM_156039.3); c.2247+86C>T (NM_172313.3); short protein forms A778V, A805V.
Identifiers: ClinVar variation 2485475 (VCV002485475.4), dbSNP rs759549054, ClinGen allele CA768908.

ClinVar aggregate classification (germline): Uncertain significance. Review status: criteria provided, multiple submitters, no conflicts (2 of 4 stars). 2 submissions from 2 submitters: Uncertain significance (2). Last evaluated 2024-02-06.

Conditions:
Inborn genetic diseases. Identifiers: MedGen C0950123, MeSH D030342.
Autosomal recessive severe congenital neutropenia due to CSF3R deficiency. Also called: Neutropenia, severe congenital, 7, autosomal recessive. Identifiers: Orphanet 420702, MedGen C4310764, MONDO:0014865, OMIM 617014.

Allele frequency attached by ClinVar (database versions not stated): ExAC 0.00001; gnomAD 0.00001.
gnomAD v4.1: 15 of 1,608,764 alleles (0.00093%); highest among the groups gnomAD compares: Admixed American, 0.0067%; no homozygotes.

Submissions (2):

Labcorp Genetics (formerly Invitae), Labcorp
Classification: Uncertain significance for Autosomal recessive severe congenital neutropenia due to CSF3R deficiency. Last evaluated: 2024-02-06. Review status: criteria provided, single submitter. Criteria: Invitae Variant Classification Sherloc (09022015). Collection method: clinical testing. Allele origin: germline.
Comment: This sequence change replaces alanine, which is neutral and non-polar, with valine, which is neutral and non-polar, at codon 778 of the CSF3R protein (p.Ala778Val). The frequency data for this variant in the population databases is considered unreliable, as metrics indicate poor data quality at this position in the gnomAD database. This variant has not been reported in the literature in individuals affected with CSF3R-related conditions. ClinVar contains an entry for this variant (Variation ID: 2485475). An algorithm developed to predict the effect of missense changes on protein structure and function (PolyPhen-2) suggests that this variant is likely to be tolerated. In summary, the available evidence is currently insufficient to determine the role of this variant in disease. Therefore, it has been classified as a Variant of Uncertain Significance.

Ambry Genetics
Classification: Uncertain significance for Inborn genetic diseases. Last evaluated: 2023-02-16. Review status: criteria provided, single submitter. Criteria: Ambry Variant Classification Scheme 2023. Collection method: clinical testing. Allele origin: germline.